The following is an entry in ClinVar:

NM_022893.4(BCL11A):c.294C>T (p.Pro98=)

Gene: BCL11A (BCL11 transcription factor A; minus strand). Cytogenetic location: 2p16.1.
Variant type: single nucleotide variant.
Coding change: c.294C>T on transcript NM_022893.4 (MANE Select); coding-DNA position 294, C replaced by T.
Protein change: p.Pro98=; no amino-acid change (proline 98 retained).
Molecular consequence: synonymous variant. On other transcripts: 5 prime UTR variant (7).
Genome position (GRCh38, 1-based): chr2:60,546,062, G>A on the plus strand (C>T on the coding strand, the complement: BCL11A is on the minus strand). VCF-style: chr2-60546062-G-A. GRCh37 (hg19) VCF-style: chr2-60773197-G-A.
Other names: p.Pro98=; c.294C>T, p.Pro98= (NM_018014.4, NM_138559.2, NM_001363864.1 and 10 more transcripts); c.138C>T, p.Pro46= (NM_001405713.1, NM_001405714.1, NM_001405715.1 and 10 more transcripts); c.-132C>T (NM_001405720.1, NM_001405721.1); c.-382C>T (NM_001405725.1, NM_001405726.1, NM_001405731.1); c.-239C>T (NM_001405727.1, NM_001405728.1).
Identifiers: ClinVar variation 3042356 (VCV003042356.3), dbSNP rs201120802, ClinGen allele CA1671292.

ClinVar aggregate classification (germline): Likely benign. Review status: criteria provided, single submitter (1 of 4 stars). 2 submissions from 2 submitters: Likely benign (1). 1 of the submissions does not count toward it. Last evaluated 2025-03-19.

Conditions:
BCL11A-related disorder. Also called: BCL11A-related condition.

gnomAD v4.1: 66 of 1,614,088 alleles (0.0041%); highest among the groups gnomAD compares: East Asian, 0.016%; no homozygotes.

Submissions (2):

Mayo Clinic Laboratories, Mayo Clinic
Classification: Likely benign. Last evaluated: 2025-03-19. Review status: criteria provided, single submitter. Criteria: ACMG Guidelines, 2015. Collection method: clinical testing. Allele origin: germline. Observed: 2 variant alleles.
Comment: BP4, BP7, PM2_supporting

PreventionGenetics, part of Exact Sciences
Classification: Likely benign for BCL11A-related condition. Last evaluated: 2023-03-30. Review status: no assertion criteria provided. Collection method: clinical testing. Allele origin: germline. Not counted in ClinVar's aggregate classification.
Comment: This variant is classified as likely benign based on ACMG/AMP sequence variant interpretation guidelines (Richards et al. 2015 PMID: 25741868, with internal and published modifications).